The following is an entry in ClinVar:

NM_006790.3(MYOT):c.1346del (p.Pro449fs)

Genes: PKD2L2-DT (PKD2L2 divergent transcript; minus strand), MYOT (myotilin; plus strand). Cytogenetic location: 5q31.2.
Variant type: Deletion.
Coding change: c.1346del on transcript NM_006790.3 (MANE Select); coding-DNA position 1346, one base deleted (C; older notation c.1346delC).
Protein change: p.Pro449fs; shifts the reading frame from proline 449.
Molecular consequence: frameshift variant.
Genome position (GRCh38, 1-based): chr5:137,887,234, C deleted; the last of 2 consecutive C bases (chr5:137,887,233-137,887,234); deleting either gives the same sequence. VCF-style (leftmost placement, unchanged base first): chr5-137887232-TC-T. GRCh37 (hg19) VCF-style: chr5-137222921-TC-T.
Other names: c.794del, p.Pro265fs (NM_001135940.2); c.1001del, p.Pro334fs (NM_001300911.2); c.1346delC (NM_006790.3); short protein forms P334fs, P265fs, P449fs.
Identifiers: ClinVar variation 798220 (VCV000798220.12), dbSNP rs780331457, ClinGen allele CA3423178.

ClinVar aggregate classification (germline): Likely benign. Review status: criteria provided, multiple submitters, no conflicts (2 of 4 stars). 2 submissions from 2 submitters: Likely benign (2). Last evaluated 2025-04-25.

Conditions:
Myofibrillar myopathy 3 (MFM3). Also called: Muscular dystrophy, proximal, type 1A; Autosomal dominant spheroid body myopathy. Identifiers: Orphanet 266, Orphanet 268129, MedGen C3714934, MONDO:0012215, OMIM 609200.

Submissions (2):

Women's Health and Genetics/Laboratory Corporation of America, LabCorp
Classification: Likely benign. Last evaluated: 2025-04-25. Review status: criteria provided, single submitter. Criteria: LabCorp Variant Classification Summary - May 2015. Collection method: clinical testing. Allele origin: germline.
Comment: Variant summary: MYOT c.1346delC (p.Pro449GlnfsX16) results in a premature termination codon, predicted to cause a truncation of the encoded protein or absence of the protein due to nonsense mediated decay, however current evidence is not sufficient to establish loss of function as a mechanism for disease. The variant allele was found at a frequency of 1.2e-05 in 1613958 control chromosomes. The observed variant frequency is approximately 20 fold of the estimated maximal expected allele frequency for a pathogenic variant in MYOT causing Spheroid Body Myopathy phenotype (6.3e-07). To our knowledge, no occurrence of c.1346delC in individuals affected with Spheroid Body Myopathy and no experimental evidence demonstrating its impact on protein function have been reported. ClinVar contains an entry for this variant (Variation ID: 798220). Based on the evidence outlined above, the variant was classified as likely benign.

Labcorp Genetics (formerly Invitae), Labcorp
Classification: Likely benign for Myofibrillar myopathy 3. Last evaluated: 2024-03-24. Review status: criteria provided, single submitter. Criteria: Invitae Variant Classification Sherloc (09022015). Collection method: clinical testing. Allele origin: germline.